The following is an entry in ClinVar:

ClinVar aggregate classification (germline): Uncertain significance. Review status: criteria provided, multiple submitters, no conflicts (2 of 4 stars). 2 submissions from 2 submitters: Uncertain significance (2). Last evaluated 2023-06-08.

Conditions:
Peutz-Jeghers syndrome (PJS). Also called: POLYPOSIS, HAMARTOMATOUS INTESTINAL; POLYPS-AND-SPOTS SYNDROME; Peutz-Jeghers polyposis; Periorificial lentiginosis syndrome. Identifiers: Orphanet 2869, MedGen C0031269, MeSH D010580, MONDO:0008280, OMIM 175200.
Hereditary cancer-predisposing syndrome. Also called: Hereditary neoplastic syndrome; Tumor predisposition; Neoplastic Syndromes, Hereditary; Hereditary Cancer Syndrome. Identifiers: Orphanet 140162, MedGen C0027672, MeSH D009386, MONDO:0015356.

Submissions (2):

Labcorp Genetics (formerly Invitae), Labcorp
Classification: Uncertain significance for Peutz-Jeghers syndrome. Last evaluated: 2023-06-08. Review status: criteria provided, single submitter. Criteria: Invitae Variant Classification Sherloc (09022015). Collection method: clinical testing. Allele origin: germline.
Comment: An algorithm developed to predict the effect of missense changes on protein structure and function (PolyPhen-2) suggests that this variant is likely to be disruptive. In summary, the available evidence is currently insufficient to determine the role of this variant in disease. Therefore, it has been classified as a Variant of Uncertain Significance. ClinVar contains an entry for this variant (Variation ID: 2451995). This variant has not been reported in the literature in individuals affected with STK11-related conditions. This variant is not present in population databases (gnomAD no frequency). This sequence change replaces glycine, which is neutral and non-polar, with alanine, which is neutral and non-polar, at codon 370 of the STK11 protein (p.Gly370Ala).

Ambry Genetics
Classification: Uncertain significance for Hereditary cancer-predisposing syndrome. Last evaluated: 2022-11-27. Review status: criteria provided, single submitter. Criteria: Ambry Variant Classification Scheme 2023. Collection method: clinical testing. Allele origin: germline.
Comment: The p.G370A variant (also known as c.1109G>C) is located in coding exon 9 of the STK11 gene. The glycine at codon 370 is replaced by alanine, an amino acid with similar properties. This change occurs in the first base pair of coding exon 9. This amino acid position is conserved. In addition, the in silico prediction for this alteration is inconclusive. Since supporting evidence is limited at this time, the clinical significance of this alteration remains unclear.

NM_000455.5(STK11):c.1109G>C (p.Gly370Ala)

Gene: STK11 (serine/threonine kinase 11; plus strand). Cytogenetic location: 19p13.3.
Variant type: single nucleotide variant.
Coding change: c.1109G>C on transcript NM_000455.5 (MANE Select); coding-DNA position 1109, G replaced by C.
Protein change: p.Gly370Ala; replaces glycine 370 with alanine.
Molecular consequence: missense variant. On other transcripts: non-coding transcript variant (1).
Genome position (GRCh38, 1-based): chr19:1,226,454, G>C. VCF-style: chr19-1226454-G-C. GRCh37 (hg19) VCF-style: chr19-1226453-G-C.
Other names: short protein forms G370A.
Identifiers: ClinVar variation 2451995 (VCV002451995.3), dbSNP rs1568716651, ClinGen allele CA402953097.